The following is an entry in ClinVar:

NM_002529.4(NTRK1):c.1676G>A (p.Arg559His)

Gene: NTRK1 (neurotrophic receptor tyrosine kinase 1; plus strand). Cytogenetic location: 1q23.1.
Variant type: single nucleotide variant.
Coding change: c.1676G>A on transcript NM_002529.4 (MANE Select); coding-DNA position 1676, G replaced by A.
Protein change: p.Arg559His; replaces arginine 559 with histidine.
Molecular consequence: missense variant.
Genome position (GRCh38, 1-based): chr1:156,876,443, G>A. VCF-style: chr1-156876443-G-A. GRCh37 (hg19) VCF-style: chr1-156846235-G-A.
Other names: c.1658G>A, p.Arg553His (NM_001012331.2); c.1568G>A, p.Arg523His (NM_001007792.1); short protein forms R559H, R523H, R553H.
Identifiers: ClinVar variation 855674 (VCV000855674.12), dbSNP rs201564883, ClinGen allele CA1169438.

ClinVar aggregate classification (germline): Uncertain significance. Review status: criteria provided, multiple submitters, no conflicts (2 of 4 stars). 4 submissions from 4 submitters: Uncertain significance (3). 1 of the submissions does not count toward it. Last evaluated 2023-04-11.

Conditions:
Hereditary insensitivity to pain with anhidrosis (CIPA). Also called: NTRK1 Congenital Insensitivity to Pain with Anhidrosis; FAMILIAL DYSAUTONOMIA, TYPE II; NEUROPATHY, CONGENITAL SENSORY, WITH ANHIDROSIS; HSAN Type IV; hereditary sensory and autonomic neuropathy type 4; INSENSITIVITY TO PAIN, CONGENITAL, WITH ANHIDROSIS. Identifiers: Orphanet 642, MedGen C0020074, MONDO:0009746, OMIM 256800.
Inborn genetic diseases. Identifiers: MedGen C0950123, MeSH D030342.

Allele frequency attached by ClinVar (database versions not stated): gnomAD 0.00001; gnomAD exomes 0.00001 and 0.00002; ExAC 0.00003; TOPMed 0.00005; ESP Exome Variant Server 0.00008; 1000 Genomes Project 30x 0.00016; 1000 Genomes Project 0.00020.
gnomAD v4.1: 8 of 1,613,880 alleles (0.0005%); highest among the groups gnomAD compares: Middle Eastern, 0.016%; no homozygotes.

Submissions (4):

Genome-Nilou Lab
Classification: Uncertain significance for Hereditary insensitivity to pain with anhidrosis. Last evaluated: 2023-04-11. Review status: criteria provided, single submitter. Criteria: ACMG Guidelines, 2015. Collection method: clinical testing. Allele origin: germline. Affected: no.

Labcorp Genetics (formerly Invitae), Labcorp
Classification: Uncertain significance for Hereditary insensitivity to pain with anhidrosis. Last evaluated: 2021-08-13. Review status: criteria provided, single submitter. Criteria: Invitae Variant Classification Sherloc (09022015). Collection method: clinical testing. Allele origin: germline.
Comment: This sequence change replaces arginine with histidine at codon 553 of the NTRK1 protein (p.Arg553His). The arginine residue is highly conserved and there is a small physicochemical difference between arginine and histidine. This variant is present in population databases (rs201564883, ExAC 0.01%). This variant has not been reported in the literature in individuals affected with NTRK1-related conditions. Algorithms developed to predict the effect of missense changes on protein structure and function (SIFT, PolyPhen-2, Align-GVGD) all suggest that this variant is likely to be disruptive. In summary, the available evidence is currently insufficient to determine the role of this variant in disease. Therefore, it has been classified as a Variant of Uncertain Significance.

Ambry Genetics
Classification: Uncertain significance for Inborn genetic diseases. Last evaluated: 2021-04-07. Review status: criteria provided, single submitter. Criteria: Ambry Variant Classification Scheme 2023. Collection method: clinical testing. Allele origin: germline.
Comment: The p.R553H variant (also known as c.1658G>A), located in coding exon 13 of the NTRK1 gene, results from a G to A substitution at nucleotide position 1658. The arginine at codon 553 is replaced by histidine, an amino acid with highly similar properties. This amino acid position is highly conserved in available vertebrate species. In addition, this alteration is predicted to be deleterious by in silico analysis. Since supporting evidence is limited at this time, the clinical significance of this alteration remains unclear.

Natera, Inc.
Classification: Uncertain significance for Hereditary insensitivity to pain with anhidrosis. Last evaluated: 2020-03-02. Review status: no assertion criteria provided. Collection method: clinical testing. Allele origin: germline. Not counted in ClinVar's aggregate classification.